The following is an entry in ClinVar:

ClinVar aggregate classification (germline): Uncertain significance (1 of 4 stars; one submission).

Conditions:
Cardiovascular phenotype. Identifiers: MedGen CN230736.

Submission:

Ambry Genetics
Classification: Uncertain significance for Cardiovascular phenotype. Last evaluated: 2024-04-12. Review status: criteria provided, single submitter. Criteria: Ambry Variant Classification Scheme 2023. Collection method: clinical testing. Allele origin: germline.
Comment: The p.Y167C variant (also known as c.500A>G), located in coding exon 5 of the PRDM5 gene, results from an A to G substitution at nucleotide position 500. The tyrosine at codon 167 is replaced by cysteine, an amino acid with highly dissimilar properties. This amino acid position is conserved. In addition, this alteration is predicted to be tolerated by in silico analysis. Based on the available evidence, the clinical significance of this variant remains unclear.

NM_018699.4(PRDM5):c.500A>G (p.Tyr167Cys)

Gene: PRDM5 (PR/SET domain 5; minus strand). Cytogenetic location: 4q27.
Variant type: single nucleotide variant.
Coding change: c.500A>G on transcript NM_018699.4 (MANE Select); coding-DNA position 500, A replaced by G.
Protein change: p.Tyr167Cys; replaces tyrosine 167 with cysteine.
Molecular consequence: missense variant.
Genome position (GRCh38, 1-based): chr4:120,818,503, T>C on the plus strand (A>G on the coding strand, the complement: PRDM5 is on the minus strand). VCF-style: chr4-120818503-T-C. GRCh37 (hg19) VCF-style: chr4-121739658-T-C.
Other names: c.500A>G, p.Tyr167Cys (NM_001300823.2, NM_001300824.2, NM_001379104.1 and 1 more transcripts); short protein forms Y167C.
Identifiers: ClinVar variation 3309807 (VCV003309807.1).
Genomic context (GRCh38, chr4:120,818,503, plus strand): 5'-TGGAGATGCTCAGCAAGAATATCCTCACTGGTAAAACTCGATTCACATTGAGGACAAGCA[T>C]AGTCCTCTTTACAGCCAAGGCGATCTGCACATTCACAAGGAAACATATTCATGAGACAAA-3'
Protein context (NP_061169.2, residues 157-177): RKDRLGCKED[Tyr167Cys]ACPQCESSFT